The following is an entry in ClinVar:

NM_000186.4(CFH):c.2871C>A (p.Tyr957Ter)

Gene: CFH (complement factor H; plus strand). Cytogenetic location: 1q31.3.
Variant type: single nucleotide variant.
Coding change: c.2871C>A on transcript NM_000186.4 (MANE Select); coding-DNA position 2871, C replaced by A.
Protein change: p.Tyr957Ter; replaces tyrosine 957 with a stop codon.
Molecular consequence: nonsense.
Genome position (GRCh38, 1-based): chr1:196,740,707, C>A. VCF-style: chr1-196740707-C-A. GRCh37 (hg19) VCF-style: chr1-196709837-C-A.
Other names: p.Tyr957*; short protein forms Y957*.
Identifiers: ClinVar variation 3381093 (VCV003381093.3).

ClinVar aggregate classification (germline): Pathogenic/Likely pathogenic. Review status: criteria provided, multiple submitters, no conflicts (2 of 4 stars). 2 submissions from 2 submitters: Pathogenic (1); Likely pathogenic (1). Last evaluated 2024-07-23.

Submissions (2):

Labcorp Genetics (formerly Invitae), Labcorp
Classification: Pathogenic. Last evaluated: 2024-07-23. Review status: criteria provided, single submitter. Criteria: Invitae Variant Classification Sherloc (09022015). Collection method: clinical testing. Allele origin: germline.
Comment: This sequence change creates a premature translational stop signal (p.Tyr957*) in the CFH gene. It is expected to result in an absent or disrupted protein product. Loss-of-function variants in CFH are known to be pathogenic (PMID: 11170896, 14978182, 16621965, 23870792, 25188723). This variant is not present in population databases (gnomAD no frequency). This variant has not been reported in the literature in individuals affected with CFH-related conditions. Algorithms developed to predict the effect of sequence changes on RNA splicing suggest that this variant may disrupt the consensus splice site. For these reasons, this variant has been classified as Pathogenic.

Mayo Clinic Laboratories, Mayo Clinic
Classification: Likely pathogenic. Last evaluated: 2024-07-15. Review status: criteria provided, single submitter. Criteria: ACMG Guidelines, 2015. Collection method: clinical testing. Allele origin: germline. Observed: 1 variant allele.
Comment: PM2, PVS1

Literature cited by the submitters: PubMed 11170896 (cited by Labcorp Genetics (formerly Invitae), Labcorp); PubMed 14978182 (cited by Labcorp Genetics (formerly Invitae), Labcorp); PubMed 16621965 (cited by Labcorp Genetics (formerly Invitae), Labcorp); PubMed 23870792 (cited by Labcorp Genetics (formerly Invitae), Labcorp); PubMed 25188723 (cited by Labcorp Genetics (formerly Invitae), Labcorp).